The following is an entry in ClinVar:

NM_004656.4(BAP1):c.794_795dup (p.Thr266Ter)

Gene: BAP1 (BRCA1 associated deubiquitinase 1; minus strand). Cytogenetic location: 3p21.1.
Variant type: Duplication.
Coding change: c.794_795dup on transcript NM_004656.4 (MANE Select); coding-DNA positions 794 to 795, 2 bases duplicated (TA; older notation c.794_795dupTA).
Protein change: p.Thr266Ter; replaces threonine 266 with a stop codon.
Molecular consequence: nonsense.
Genome position (GRCh38, 1-based): chr3:52,405,901-52,405,902, TA duplicated on the plus strand (TA on the coding strand, the reverse complement: BAP1 is on the minus strand). VCF-style (leftmost placement, unchanged base first): chr3-52405900-T-TTA. GRCh37 (hg19) VCF-style: chr3-52439916-T-TTA.
Other names: c.740_741dup, p.Thr248Ter (NM_001410772.1); c.794_795dupTA (NM_004656.2); short protein forms T266*, T248*.
Identifiers: ClinVar variation 2719210 (VCV002719210.4), dbSNP rs2471341415, ClinGen allele CA2697556720.
Genomic context (GRCh38, chr3:52,405,900, plus strand): 5'-TGGACTCCTCAGGCAGCTGTGACTCTTGAGACTTGTGGGTCTGAATCAGCTCTGGCTGTG[T>TTA]TACTCTTATCAGCTAACAACAGAATCCAGGGCTCAGAGGAGAAAGGGTAGACCCGGGCTT-3'

ClinVar aggregate classification (germline): Pathogenic. Review status: criteria provided, multiple submitters, no conflicts (2 of 4 stars). 2 submissions from 2 submitters: Pathogenic (2). Last evaluated 2025-08-30.

Conditions:
Hereditary cancer-predisposing syndrome. Also called: Neoplastic Syndromes, Hereditary; Tumor predisposition; Hereditary neoplastic syndrome; Hereditary Cancer Syndrome. Identifiers: Orphanet 140162, MedGen C0027672, MeSH D009386, MONDO:0015356.
BAP1-related tumor predisposition syndrome (TPDS1). Also called: Tumor susceptibility linked to germline BAP1 mutations; COMMON Syndrome; TUMOR PREDISPOSITION SYNDROME 1; BAP1 tumor predisposition syndrome. Identifiers: Orphanet 289539, MedGen C3280492, MONDO:0013692, OMIM 614327.

Submissions (2):

Labcorp Genetics (formerly Invitae), Labcorp
Classification: Pathogenic for BAP1-related tumor predisposition syndrome. Last evaluated: 2025-08-30. Review status: criteria provided, single submitter. Criteria: Invitae Variant Classification Sherloc (09022015). Collection method: clinical testing. Allele origin: germline.
Comment: This sequence change creates a premature translational stop signal (p.Thr266*) in the BAP1 gene. It is expected to result in an absent or disrupted protein product. Loss-of-function variants in BAP1 are known to be pathogenic (PMID: 21874000, 23684012). This variant is not present in population databases (gnomAD no frequency). This variant has not been reported in the literature in individuals affected with BAP1-related conditions. ClinVar contains an entry for this variant (Variation ID: 2719210). For these reasons, this variant has been classified as Pathogenic.

Ambry Genetics
Classification: Pathogenic for Hereditary cancer-predisposing syndrome. Last evaluated: 2024-07-03. Review status: criteria provided, single submitter. Criteria: Ambry Variant Classification Scheme 2023. Collection method: clinical testing. Allele origin: germline.
Comment: The c.794_795dupTA pathogenic mutation, located in coding exon 10 of the BAP1 gene, results from a duplication of TA at nucleotide position 794, causing a translational frameshift with a predicted alternate stop codon (p.T266*). This variant is considered to be rare based on population cohorts in the Genome Aggregation Database (gnomAD). This alteration is expected to result in loss of function by premature protein truncation or nonsense-mediated mRNA decay. As such, this alteration is interpreted as a disease-causing mutation.

Literature cited by the submitters: PubMed 21874000 (cited by Labcorp Genetics (formerly Invitae), Labcorp); PubMed 23684012 (cited by Labcorp Genetics (formerly Invitae), Labcorp).